The following is an entry in ClinVar:

ClinVar aggregate classification (germline): Uncertain significance (1 of 4 stars; one submission).

Conditions:
Leigh syndrome (NULS). Also called: Leigh's necrotizing encephalopathy; Leigh's disease; Leigh Syndrome (mtDNA deletion); Leigh Disease; Subacute necrotizing encephalopathy; Necrotizing encephalopathy infantile subacute of Leigh. Identifiers: Orphanet 506, MedGen C2931891, MONDO:0009723, OMIM 256000.

Submission:

Wong Mito Lab, Molecular and Human Genetics, Baylor College of Medicine
Classification: Uncertain significance for Leigh syndrome. Last evaluated: 2019-10-17. Review status: criteria provided, single submitter. Criteria: Modified ACMG Guidelines (Unpublished). Collection method: clinical testing. Allele origin: germline.
Comment: The NC_012920.1:m.9819G>A (YP_003024032.1:p.Gly205Ter) variant in MTCO3 gene is interpretated to be a Uncertain Significance variant based on the modified ACMG guidelines (unpublished). This variant meets the following evidence codes: no criteria

NC_012920.1(MT-CO3):m.9819G>A

Gene: MT-CO3 (mitochondrially encoded cytochrome c oxidase III; plus strand).
Variant type: single nucleotide variant.
Genome position: chrM-9819-G-A.
Identifiers: ClinVar variation 693232 (VCV000693232.1), dbSNP rs1603222512, ClinGen allele CA414803779.